The following is an entry in ClinVar:

ClinVar aggregate classification (germline): Uncertain significance (1 of 4 stars; one submission).

Conditions:
Inborn genetic diseases. Identifiers: MedGen C0950123, MeSH D030342.

Submission:

Ambry Genetics
Classification: Uncertain significance for Inborn genetic diseases. Last evaluated: 2026-07-02. Review status: criteria provided, single submitter. Criteria: Ambry Variant Classification Scheme 2023. Collection method: clinical testing. Allele origin: germline.
Comment: The p.M475T variant (also known as c.1424T>C), located in coding exon 5 of the GATA2 gene, results from a T to C substitution at nucleotide position 1424. The methionine at codon 475 is replaced by threonine, an amino acid with similar properties. This amino acid position is conserved. In addition, the in silico prediction for this alteration is inconclusive. Based on the available evidence, the clinical significance of this variant remains unclear.

NM_032638.5(GATA2):c.1424T>C (p.Met475Thr)

Gene: GATA2 (GATA binding protein 2; minus strand). Cytogenetic location: 3q21.3.
Variant type: single nucleotide variant.
Coding change: c.1424T>C on transcript NM_032638.5 (MANE Select); coding-DNA position 1424, T replaced by C.
Protein change: p.Met475Thr; replaces methionine 475 with threonine.
Molecular consequence: missense variant.
Genome position (GRCh38, 1-based): chr3:128,481,038, A>G on the plus strand (T>C on the coding strand, the complement: GATA2 is on the minus strand). VCF-style: chr3-128481038-A-G. GRCh37 (hg19) VCF-style: chr3-128199881-A-G.
Other names: c.1424T>C, p.Met475Thr (NM_001145661.2); c.1382T>C, p.Met461Thr (NM_001145662.1); short protein forms M461T, M475T.
Identifiers: ClinVar variation 5022182 (VCV005022182.1).
Genomic context (GRCh38, chr3:128,481,038, plus strand): 5'-CCCATCCCGGGAGTGCCCGGTCCTCGACGTCCATCTGTTCCCTAGCCCATGGCGGTCACC[A>G]TGCTGGACGGGTGGGGGTGGCCGAAGGAGAGGCTGGAGGAGGGGTGGATGGGCGTCGGAG-3'
Protein context (NP_116027.2, residues 465-480): LSFGHPHPSS[Met475Thr]VTAMG